The following is an entry in ClinVar:

NM_002386.4(MC1R):c.131T>C (p.Leu44Pro)

Gene: MC1R (melanocortin 1 receptor; plus strand). Cytogenetic location: 16q24.3.
Variant type: single nucleotide variant.
Coding change: c.131T>C on transcript NM_002386.4 (MANE Select); coding-DNA position 131, T replaced by C.
Protein change: p.Leu44Pro; replaces leucine 44 with proline.
Molecular consequence: missense variant.
Genome position (GRCh38, 1-based): chr16:89,919,389, T>C. VCF-style: chr16-89919389-T-C. GRCh37 (hg19) VCF-style: chr16-89985797-T-C.
Other names: short protein forms L44P.
Identifiers: ClinVar variation 2276891 (VCV002276891.3), dbSNP rs1321375308, ClinGen allele CA397459449.
Genomic context (GRCh38, chr16:89,919,389, plus strand): 5'-TGGGGCTGGCTGCCAACCAGACAGGAGCCCGGTGCCTGGAGGTGTCCATCTCTGACGGGC[T>C]CTTCCTCAGCCTGGGGCTGGTGAGCTTGGTGGAGAACGCGCTGGTGGTGGCCACCATCGC-3'
Protein context (NP_002377.4, residues 34-54): RCLEVSISDG[Leu44Pro]FLSLGLVSLV

ClinVar aggregate classification (germline): Uncertain significance (1 of 4 stars; one submission).

Allele frequency attached by ClinVar (database versions not stated): gnomAD exomes below 0.00001; TOPMed below 0.00001; gnomAD 0.00001.
gnomAD v4.1: 3 of 1,613,158 alleles (0.00019%); highest among the groups gnomAD compares: Non-Finnish European, 0.00025%; no homozygotes.

Submission:

Ambry Genetics
Classification: Uncertain significance. Last evaluated: 2025-01-08. Review status: criteria provided, single submitter. Criteria: Ambry Variant Classification Scheme 2023. Collection method: clinical testing. Allele origin: germline.
Comment: The p.L44P variant (also known as c.131T>C), located in coding exon 1 of the MC1R gene, results from a T to C substitution at nucleotide position 131. The leucine at codon 44 is replaced by proline, an amino acid with similar properties. This amino acid position is conserved. In addition, the in silico prediction for this alteration is inconclusive. Based on the available evidence, the clinical significance of this variant remains unclear.